The following is an entry in ClinVar:

ClinVar aggregate classification (germline): Uncertain significance (1 of 4 stars; one submission).

Conditions:
Early Myoclonic Encephalopathy. Identifiers: MedGen C0270855.

Allele frequency attached by ClinVar (database versions not stated): gnomAD exomes 0.00001; TOPMed 0.00003; ExAC 0.00001; gnomAD 0.00002.
gnomAD v4.1: 7 of 1,608,994 alleles (0.00044%); highest among the groups gnomAD compares: Admixed American, 0.005%; no homozygotes.

Submission:

Labcorp Genetics (formerly Invitae), Labcorp
Classification: Uncertain significance for Early Myoclonic Encephalopathy. Last evaluated: 2023-05-31. Review status: criteria provided, single submitter. Criteria: Invitae Variant Classification Sherloc (09022015). Collection method: clinical testing. Allele origin: germline.
Comment: This variant is present in population databases (rs770030772, gnomAD 0.01%). This sequence change replaces glutamic acid, which is acidic and polar, with lysine, which is basic and polar, at codon 4 of the JMJD1C protein (p.Glu4Lys). This variant has not been reported in the literature in individuals affected with JMJD1C-related conditions. In summary, the available evidence is currently insufficient to determine the role of this variant in disease. Therefore, it has been classified as a Variant of Uncertain Significance. An algorithm developed to predict the effect of missense changes on protein structure and function (PolyPhen-2) suggests that this variant is likely to be tolerated.

NM_032776.3(JMJD1C):c.10G>A (p.Glu4Lys)

Genes: JMJD1C (jumonji domain containing 1C; minus strand), JMJD1C-AS1 (JMJD1C antisense RNA 1; plus strand). Cytogenetic location: 10q21.3.
Variant type: single nucleotide variant.
Coding change: c.10G>A on transcript NM_032776.3 (MANE Select); coding-DNA position 10, G replaced by A.
Protein change: p.Glu4Lys; replaces glutamic acid 4 with lysine.
Molecular consequence: missense variant. On other transcripts: non-coding transcript variant (1), intron variant (2).
Genome position (GRCh38, 1-based): chr10:63,465,653, C>T on the plus strand (G>A on the coding strand, the complement: JMJD1C is on the minus strand). VCF-style: chr10-63465653-C-T. GRCh37 (hg19) VCF-style: chr10-65225413-C-T.
Other names: c.10G>A, p.Glu4Lys (NM_001322252.2); c.-384+56085G>A (NM_001322258.2); c.-379+56085G>A (NM_001318154.2); short protein forms E4K.
Identifiers: ClinVar variation 2915980 (VCV002915980.3), dbSNP rs770030772, ClinGen allele CA5519247.
Genomic context (GRCh38, chr10:63,465,653, plus strand): 5'-GTGCCTCGTCGCCGACCGCCACACACAGGAACCGCTTACCCACCAGCTCTGCCCGCGTCT[C>T]TACCGCCATAGCTGTCGCTGCCGAAGCGGCCGCTGCCTCCTCCAGTGCGAGGGAACCGAT-3'
Protein context (NP_116165.1, residues 1-14): MAV[Glu4Lys]TRAELVGKRF